The following is an entry in ClinVar:

NM_001365276.2(TNXB):c.10231C>T (p.Gln3411Ter)

Gene: TNXB (tenascin XB; minus strand). Cytogenetic location: 6p21.33.
Variant type: single nucleotide variant.
Coding change: c.10231C>T on transcript NM_001365276.2 (MANE Select); coding-DNA position 10231, C replaced by T.
Protein change: p.Gln3411Ter; replaces glutamine 3411 with a stop codon.
Molecular consequence: nonsense.
Genome position (GRCh38, 1-based): chr6:32,047,827, G>A on the plus strand (C>T on the coding strand, the complement: TNXB is on the minus strand). VCF-style: chr6-32047827-G-A. GRCh37 (hg19) VCF-style: chr6-32015604-G-A.
Other names: c.10972C>T, p.Gln3658Ter (NM_001428335.1); c.10225C>T, p.Gln3409Ter (NM_019105.8); short protein forms Q3409*, Q3411*, Q3658*.
Identifiers: ClinVar variation 5015739 (VCV005015739.1).

ClinVar aggregate classification (germline): Pathogenic (1 of 4 stars; one submission).

Conditions:
Ehlers-Danlos syndrome due to tenascin-X deficiency (EDSCLL1). Also called: EDS DUE TO TNX DEFICIENCY; TNX DEFICIENCY; Ehlers-Danlos syndrome, classic-like, 1; EHLERS-DANLOS SYNDROME, CLASSIC-LIKE; TNXB-Related Classical-Like Ehlers-Danlos Syndrome. Identifiers: Orphanet 230839, MedGen C1848029, MONDO:0011670, OMIM 606408.

Submission:

Myriad Genetics, Inc.
Classification: Pathogenic for Ehlers-Danlos syndrome due to tenascin-X deficiency. Last evaluated: 2026-03-28. Review status: criteria provided, single submitter. Criteria: Myriad Autosomal Dominant, Autosomal Recessive and X-Linked Classification Criteria (2023). Collection method: clinical testing. Allele origin: unknown.
Comment: NM_019105.6(TNXB):c.10225C>T(Q3409*) is expected to be pathogenic in the context of classical-like Ehlers-Danlos syndrome, TNXB-related. This variant is predicted to lead to an abnormal or absent protein product due to the creation of a premature termination codon in TNXB, a gene where loss-of-function variants are known to be pathogenic. Please note: this variant was assessed in the context of healthy population screening.